The following is an entry in ClinVar:

ClinVar aggregate classification (germline): Uncertain significance. Review status: criteria provided, multiple submitters, no conflicts (2 of 4 stars). 2 submissions from 2 submitters: Uncertain significance (2). Last evaluated 2025-08-27.

Conditions:
Familial adenomatous polyposis 2. Also called: MUTYH-associated polyposis; Adenomas, multiple colorectal; COLORECTAL ADENOMATOUS POLYPOSIS, AUTOSOMAL RECESSIVE; ADENOMAS, MULTIPLE COLORECTAL, AUTOSOMAL RECESSIVE; MUTYH-related attenuated familial adenomatous polyposis; MYH-associated polyposis. Identifiers: Orphanet 220460, Orphanet 247798, MedGen C3272841, MONDO:0012041, OMIM 608456.
Hereditary cancer-predisposing syndrome. Also called: Hereditary Cancer Syndrome; Hereditary neoplastic syndrome; Neoplastic Syndromes, Hereditary; Tumor predisposition. Identifiers: Orphanet 140162, MedGen C0027672, MeSH D009386, MONDO:0015356.

Submissions (2):

Ambry Genetics
Classification: Uncertain significance for Hereditary cancer-predisposing syndrome. Last evaluated: 2025-08-27. Review status: criteria provided, single submitter. Criteria: Ambry Variant Classification Scheme 2023. Collection method: clinical testing. Allele origin: germline.
Comment: The p.T464N variant (also known as c.1391C>A), located in coding exon 14 of the MUTYH gene, results from a C to A substitution at nucleotide position 1391. The threonine at codon 464 is replaced by asparagine, an amino acid with similar properties. This amino acid position is conserved. In addition, this alteration is predicted to be tolerated by in silico analysis. Based on the available evidence, the clinical significance of this variant remains unclear.

Labcorp Genetics (formerly Invitae), Labcorp
Classification: Uncertain significance for Familial adenomatous polyposis 2. Last evaluated: 2023-07-19. Review status: criteria provided, single submitter. Criteria: Invitae Variant Classification Sherloc (09022015). Collection method: clinical testing. Allele origin: germline.
Comment: This variant has not been reported in the literature in individuals affected with MUTYH-related conditions. In summary, the available evidence is currently insufficient to determine the role of this variant in disease. Therefore, it has been classified as a Variant of Uncertain Significance. Algorithms developed to predict the effect of missense changes on protein structure and function output the following: SIFT: "Not Available"; PolyPhen-2: "Benign"; Align-GVGD: "Not Available". The asparagine amino acid residue is found in multiple mammalian species, which suggests that this missense change does not adversely affect protein function. This variant is not present in population databases (gnomAD no frequency). This sequence change replaces threonine, which is neutral and polar, with asparagine, which is neutral and polar, at codon 464 of the MUTYH protein (p.Thr464Asn).

NM_001048174.2(MUTYH):c.1307C>A (p.Thr436Asn)

Gene: MUTYH (mutY DNA glycosylase; minus strand). Cytogenetic location: 1p34.1.
Variant type: single nucleotide variant.
Coding change: c.1307C>A on transcript NM_001048174.2 (MANE Select); coding-DNA position 1307, C replaced by A.
Protein change: p.Thr436Asn; replaces threonine 436 with asparagine.
Molecular consequence: missense variant. On other transcripts: non-coding transcript variant (7).
Genome position (GRCh38, 1-based): chr1:45,331,267, G>T on the plus strand (C>A on the coding strand, the complement: MUTYH is on the minus strand). VCF-style: chr1-45331267-G-T. GRCh37 (hg19) VCF-style: chr1-45796939-G-T.
Other names: c.1307C>A, p.Thr436Asn (NM_001407070.1, NM_001407072.1, NM_001407073.1 and 6 more transcripts); c.1310C>A, p.Thr437Asn (NM_001407071.1, NM_001407078.1, NM_001048172.2 and 1 more transcripts); c.1223C>A, p.Thr408Asn (NM_001407075.1); c.1340C>A, p.Thr447Asn (NM_001407077.1, NM_001293191.2, NM_001407069.1); c.1268C>A, p.Thr423Asn (NM_001407079.1); c.1265C>A, p.Thr422Asn (NM_001407080.1); c.1391C>A, p.Thr464Asn (NM_001128425.2); c.1352C>A, p.Thr451Asn (NM_001293190.2); and 5 more; short protein forms T321N, T423N, T450N, T461N, T422N, T436N, T344N, T408N.
Identifiers: ClinVar variation 2745099 (VCV002745099.4), dbSNP rs1557457133, ClinGen allele CA340132665.